The following is an entry in ClinVar:

ClinVar aggregate classification (germline): Uncertain significance (1 of 4 stars; one submission).

Allele frequency attached by ClinVar (database versions not stated): gnomAD exomes below 0.00001; gnomAD 0.00001.

Submission:

Labcorp Genetics (formerly Invitae), Labcorp
Classification: Uncertain significance. Last evaluated: 2023-11-18. Review status: criteria provided, single submitter. Criteria: Invitae Variant Classification Sherloc (09022015). Collection method: clinical testing. Allele origin: germline.
Comment: This sequence change replaces methionine, which is neutral and non-polar, with threonine, which is neutral and polar, at codon 107 of the EMC1 protein (p.Met107Thr). This variant is not present in population databases (gnomAD no frequency). This variant has not been reported in the literature in individuals affected with EMC1-related conditions. Advanced modeling of protein sequence and biophysical properties (such as structural, functional, and spatial information, amino acid conservation, physicochemical variation, residue mobility, and thermodynamic stability) performed at Invitae indicates that this missense variant is not expected to disrupt EMC1 protein function with a negative predictive value of 80%. In summary, the available evidence is currently insufficient to determine the role of this variant in disease. Therefore, it has been classified as a Variant of Uncertain Significance.

NM_015047.3(EMC1):c.320T>C (p.Met107Thr)

Gene: EMC1 (ER membrane protein complex subunit 1; minus strand). Cytogenetic location: 1p36.13.
Variant type: single nucleotide variant.
Coding change: c.320T>C on transcript NM_015047.3 (MANE Select); coding-DNA position 320, T replaced by C.
Protein change: p.Met107Thr; replaces methionine 107 with threonine.
Molecular consequence: missense variant.
Genome position (GRCh38, 1-based): chr1:19,243,674, A>G on the plus strand (T>C on the coding strand, the complement: EMC1 is on the minus strand). VCF-style: chr1-19243674-A-G. GRCh37 (hg19) VCF-style: chr1-19570168-A-G.
Other names: c.320T>C, p.Met107Thr (NM_001271427.2, NM_001271428.2, NM_001375820.1 and 1 more transcripts); c.254T>C, p.Met85Thr (NM_001271429.2); short protein forms M107T, M85T.
Identifiers: ClinVar variation 3003270 (VCV003003270.3), dbSNP rs2093618255, ClinGen allele CA338772223.